The following is an entry in ClinVar:

NM_138694.4(PKHD1):c.4855G>T (p.Gly1619Cys)

Genes: PKHD1 (PKHD1 ciliary IPT domain containing fibrocystin/polyductin; minus strand), LOC126859690 (MED14-independent group 3 enhancer GRCh37_chr6:51888848-51890047; plus strand). Cytogenetic location: 6p12.2.
Variant type: single nucleotide variant.
Coding change: c.4855G>T on transcript NM_138694.4 (MANE Select); coding-DNA position 4855, G replaced by T.
Protein change: p.Gly1619Cys; replaces glycine 1619 with cysteine.
Molecular consequence: missense variant.
Genome position (GRCh38, 1-based): chr6:52,024,955, C>A on the plus strand (G>T on the coding strand, the complement: PKHD1 is on the minus strand). VCF-style: chr6-52024955-C-A. GRCh37 (hg19) VCF-style: chr6-51889753-C-A.
Other names: c.4855G>T, p.Gly1619Cys (NM_170724.3); short protein forms G1619C.
Identifiers: ClinVar variation 636682 (VCV000636682.4), dbSNP rs762702777, ClinGen allele CA364430998.
Genomic context (GRCh38, chr6:52,024,955, plus strand): 5'-CTATTTCCAGGGCAACAGAGCCATTCCCTGTGGGAACAATGCACCGGATGAGCTCAGCAC[C>A]GATGTTCACCGTCAGGCAGGTCTGCTGGTCAATATAGACTGACGTGGTGTTCTGTCCTCT-3'
Protein context (NP_619639.3, residues 1609-1629): DQQTCLTVNI[Gly1619Cys]AELIRCIVPT

ClinVar aggregate classification (germline): Uncertain significance. Review status: criteria provided, multiple submitters, no conflicts (2 of 4 stars). 3 submissions from 3 submitters: Uncertain significance (3). Last evaluated 2025-08-01.

Conditions:
PKHD1-related disorder. Also called: PKHD1-related condition.
Polycystic kidney disease 4 (PKD4). Also called: POLYCYSTIC KIDNEY DISEASE 4 WITH OR WITHOUT POLYCYSTIC LIVER DISEASE; Autosomal Recessive Polycystic Kidney Disease – PKHD1; POLYCYSTIC KIDNEY AND HEPATIC DISEASE 1; POLYCYSTIC KIDNEY DISEASE, INFANTILE, TYPE I; PKD3. Identifiers: MedGen C4540575, MONDO:0033004, OMIM 263200.

Allele frequency attached by ClinVar (database versions not stated): gnomAD 0.00003.
gnomAD v4.1: 36 of 1,614,064 alleles (0.0022%); highest among the groups gnomAD compares: Non-Finnish European, 0.0031%; no homozygotes.

Submissions (3):

PreventionGenetics, part of Exact Sciences
Classification: Uncertain significance for PKHD1-related condition. Last evaluated: 2025-08-01. Review status: criteria provided, single submitter. Criteria: ACMG Guidelines, 2015. Collection method: clinical testing. Allele origin: germline.
Comment: The PKHD1 c.4855G>T variant is predicted to result in the amino acid substitution p.Gly1619Cys. To our knowledge, this variant has not been reported in the literature. This variant is reported in 0.0015% of alleles in individuals of European (Non-Finnish) descent in gnomAD. At this time, the clinical significance of this variant is uncertain due to the absence of conclusive functional and genetic evidence.

Fulgent Genetics
Classification: Uncertain significance for Polycystic kidney disease 4. Last evaluated: 2022-05-16. Review status: criteria provided, single submitter. Criteria: ACMG Guidelines, 2015. Collection method: clinical testing. Allele origin: unknown.

Blueprint Genetics
Classification: Uncertain significance. Last evaluated: 2019-09-27. Review status: criteria provided, single submitter. Criteria: ACMG Guidelines, 2015. Collection method: clinical testing. Allele origin: germline.